The following is an entry in ClinVar:

ClinVar aggregate classification (germline): Likely benign. Review status: criteria provided, multiple submitters, no conflicts (2 of 4 stars). 3 submissions from 3 submitters: Likely benign (3). Last evaluated 2025-09-25.

Conditions:
Cryopyrin associated periodic syndrome (CAPS). Identifiers: Orphanet 208650, MedGen C2316212, MONDO:0016168.
Chronic infantile neurological, cutaneous and articular syndrome (CINCA). Also called: CHRONIC NEUROLOGIC CUTANEOUS AND ARTICULAR SYNDROME; CINCA syndrome; CRYOPYRIN-ASSOCIATED PERIODIC SYNDROME 3; Prieur Griscelli syndrome. Identifiers: Orphanet 1451, MedGen C0409818, MONDO:0011776, OMIM 607115.
Familial amyloid nephropathy with urticaria AND deafness (MWS). Also called: UDA SYNDROME; URTICARIA-DEAFNESS-AMYLOIDOSIS SYNDROME; MUCKLE-WELLS SYNDROME; Urticaria, deafness and amyloidosis; CRYOPYRIN-ASSOCIATED PERIODIC SYNDROME 2. Identifiers: Orphanet 575, MedGen C0268390, MONDO:0008633, OMIM 191900.
Hearing loss, autosomal dominant 34, with or without inflammation. Also called: DEAFNESS, AUTOSOMAL DOMINANT 34, WITH OR WITHOUT INFLAMMATION. Identifiers: MedGen C4521680, MONDO:0033261, OMIM 617772.
Keratitis fugax hereditaria. Also called: KERATOENDOTHELIITIS FUGAX HEREDITARIA. Identifiers: Orphanet 647815, MedGen C1835697, MONDO:0007849, OMIM 148200.
Familial cold autoinflammatory syndrome 1 (FCAS1). Also called: CRYOPYRIN-ASSOCIATED PERIODIC SYNDROME 1; Familial cold inflammatory syndrome 1. Identifiers: Orphanet 47045, MedGen C4551895, MONDO:0007349, OMIM 120100.

Allele frequency attached by ClinVar (database versions not stated): gnomAD 0.00001; gnomAD exomes 0.00001; ExAC 0.00002; TOPMed 0.00002.
gnomAD v4.1: 36 of 1,592,508 alleles (0.0023%); highest among the groups gnomAD compares: East Asian, 0.0069%; no homozygotes.

Submissions (3):

Labcorp Genetics (formerly Invitae), Labcorp
Classification: Likely benign for Cryopyrin associated periodic syndrome. Last evaluated: 2025-09-25. Review status: criteria provided, single submitter. Criteria: Invitae Variant Classification Sherloc (09022015). Collection method: clinical testing. Allele origin: germline.

Fulgent Genetics
Classification: Likely benign for Familial cold autoinflammatory syndrome 1; Keratitis fugax hereditaria; Familial amyloid nephropathy with urticaria AND deafness; Chronic infantile neurological, cutaneous and articular syndrome; Hearing loss, autosomal dominant 34, with or without inflammation. Last evaluated: 2021-12-03. Review status: criteria provided, single submitter. Criteria: ACMG Guidelines, 2015. Collection method: clinical testing. Allele origin: unknown.

GeneDx
Classification: Likely benign. Last evaluated: 2018-02-21. Review status: criteria provided, single submitter. Criteria: GeneDx Variant Classification (06012015). Collection method: clinical testing. Allele origin: germline. Affected: yes.
Comment: This variant is considered likely benign or benign based on one or more of the following criteria: it is a conservative change, it occurs at a poorly conserved position in the protein, it is predicted to be benign by multiple in silico algorithms, and/or has population frequency not consistent with disease.

NM_001243133.2(NLRP3):c.369G>A (p.Ser123=)

Gene: NLRP3 (NLR family pyrin domain containing 3; plus strand). Cytogenetic location: 1q44.
Variant type: single nucleotide variant.
Coding change: c.369G>A on transcript NM_001243133.2 (MANE Select); coding-DNA position 369, G replaced by A.
Protein change: p.Ser123=; no amino-acid change (serine 123 retained).
Molecular consequence: synonymous variant.
Genome position (GRCh38, 1-based): chr1:247,423,321, G>A. VCF-style: chr1-247423321-G-A. GRCh37 (hg19) VCF-style: chr1-247586623-G-A.
Other names: c.369G>A, p.Ser123= (NM_001079821.3, NM_001127461.3, NM_001127462.3 and 1 more transcripts); c.375G>A, p.Ser125= (NM_004895.5).
Identifiers: ClinVar variation 515730 (VCV000515730.13), dbSNP rs750104265, ClinGen allele CA1494830.
Genomic context (GRCh38, chr1:247,423,321, plus strand): 5'-TGTGATATGCCAGGAAGACAGCATTGAAGAGGAGTGGATGGGTTTACTGGAGTACCTTTC[G>A]AGAATCTCTATTTGTAAAATGAAGAAAGGTAAGCGACTGGGGTGGTGCTTCTAGTTGAGT-3'
Protein context (NP_001230062.1, residues 113-133): EEWMGLLEYL[Ser123=]RISICKMKKD